The following is an entry in ClinVar:

ClinVar aggregate classification (germline): Uncertain significance. Review status: criteria provided, multiple submitters, no conflicts (2 of 4 stars). 7 submissions from 7 submitters: Uncertain significance (7). Last evaluated 2025-07-29.

Conditions:
Juvenile polyposis syndrome (JPS). Identifiers: Orphanet 2929, MedGen C0345893, MONDO:0017380, OMIM 174900.
Hereditary cancer-predisposing syndrome. Also called: Neoplastic Syndromes, Hereditary; Hereditary Cancer Syndrome; Hereditary neoplastic syndrome; Tumor predisposition. Identifiers: Orphanet 140162, MedGen C0027672, MeSH D009386, MONDO:0015356.
Polyposis syndrome, hereditary mixed, 2. Identifiers: Orphanet 157794, MedGen C1864730, MONDO:0012405, OMIM 610069.

Allele frequency attached by ClinVar (database versions not stated): gnomAD 0.00001.
gnomAD v4.1: 1 of 1,613,956 alleles (0.000062%); highest among the groups gnomAD compares: Admixed American, 0.0017%; no homozygotes.

Submissions (7):

Ambry Genetics
Classification: Uncertain significance for Hereditary cancer-predisposing syndrome. Last evaluated: 2025-07-29. Review status: criteria provided, single submitter. Criteria: Ambry Variant Classification Scheme 2023. Collection method: clinical testing. Allele origin: germline.
Comment: The p.M524T variant (also known as c.1571T>C), located in coding exon 11 of the BMPR1A gene, results from a T to C substitution at nucleotide position 1571. The methionine at codon 524 is replaced by threonine, an amino acid with similar properties. This amino acid position is highly conserved in available vertebrate species. In addition, this alteration is predicted to be deleterious by in silico analysis. Since supporting evidence is limited at this time, the clinical significance of this alteration remains unclear.

GeneDx
Classification: Uncertain significance. Last evaluated: 2024-03-17. Review status: criteria provided, single submitter. Criteria: GeneDx Variant Classification Process June 2021. Collection method: clinical testing. Allele origin: germline. Affected: yes.
Comment: Not observed at significant frequency in large population cohorts (gnomAD); In silico analysis supports that this missense variant has a deleterious effect on protein structure/function; Has not been previously published as pathogenic or benign to our knowledge

Color Diagnostics, LLC DBA Color Health
Classification: Uncertain significance for Hereditary cancer-predisposing syndrome. Last evaluated: 2024-03-06. Review status: criteria provided, single submitter. Criteria: ACMG Guidelines, 2015. Collection method: clinical testing. Allele origin: germline.
Comment: This missense variant replaces methionine with threonine at codon 524 of the BMPR1A protein. Computational prediction suggests that this variant may have deleterious impact on protein structure and function (internally defined REVEL score threshold >= 0.7, PMID: 27666373). To our knowledge, functional studies have not been reported for this variant. This variant has not been reported in individuals affected with hereditary cancer in the literature. This variant has not been identified in the general population by the Genome Aggregation Database (gnomAD). The available evidence is insufficient to determine the role of this variant in disease conclusively. Therefore, this variant is classified as a Variant of Uncertain Significance.

Baylor Genetics
Classification: Uncertain significance for Polyposis syndrome, hereditary mixed, 2. Last evaluated: 2024-02-08. Review status: criteria provided, single submitter. Criteria: ACMG Guidelines, 2015. Collection method: clinical testing. Allele origin: unknown.

All of Us Research Program, National Institutes of Health
Classification: Uncertain significance for Juvenile polyposis syndrome. Last evaluated: 2024-01-11. Review status: criteria provided, single submitter. Criteria: ACMG Guidelines, 2015. Collection method: clinical testing. Allele origin: germline. Inheritance: Autosomal dominant inheritance. Observed: 1 variant allele, 1 heterozygote.
Comment: This missense variant replaces methionine with threonine at codon 524 of the BMPR1A protein. Computational prediction suggests that this variant may have deleterious impact on protein structure and function (internally defined REVEL score threshold >= 0.7, PMID: 27666373). To our knowledge, functional studies have not been reported for this variant. This variant has not been reported in individuals affected with hereditary cancer in the literature. This variant has not been identified in the general population by the Genome Aggregation Database (gnomAD). The available evidence is insufficient to determine the role of this variant in disease conclusively. Therefore, this variant is classified as a Variant of Uncertain Significance.

This study involves interpretation of variants in research participants for the purpose of population health screening. Participant phenotype was not available at the time of variant classification. Additional details can be found in publication PMID: 35346344, PMCID: PMC8962531

Labcorp Genetics (formerly Invitae), Labcorp
Classification: Uncertain significance for Juvenile polyposis syndrome. Last evaluated: 2023-06-05. Review status: criteria provided, single submitter. Criteria: Invitae Variant Classification Sherloc (09022015). Collection method: clinical testing. Allele origin: germline.
Comment: In summary, the available evidence is currently insufficient to determine the role of this variant in disease. Therefore, it has been classified as a Variant of Uncertain Significance. Advanced modeling of protein sequence and biophysical properties (such as structural, functional, and spatial information, amino acid conservation, physicochemical variation, residue mobility, and thermodynamic stability) has been performed at Invitae for this missense variant, however the output from this modeling did not meet the statistical confidence thresholds required to predict the impact of this variant on BMPR1A protein function. ClinVar contains an entry for this variant (Variation ID: 854154). This variant has not been reported in the literature in individuals affected with BMPR1A-related conditions. This variant is not present in population databases (gnomAD no frequency). This sequence change replaces methionine, which is neutral and non-polar, with threonine, which is neutral and polar, at codon 524 of the BMPR1A protein (p.Met524Thr).

Institute for Clinical Genetics, University Hospital TU Dresden, University Hospital TU Dresden
Classification: Uncertain significance. Last evaluated: 2021-11-03. Review status: criteria provided, single submitter. Criteria: ACMG Guidelines, 2015. Collection method: clinical testing. Allele origin: germline.

NM_004329.3(BMPR1A):c.1571T>C (p.Met524Thr)

Gene: BMPR1A (bone morphogenetic protein receptor type 1A; plus strand). Cytogenetic location: 10q23.2.
Variant type: single nucleotide variant.
Coding change: c.1571T>C on transcript NM_004329.3 (MANE Select); coding-DNA position 1571, T replaced by C.
Protein change: p.Met524Thr; replaces methionine 524 with threonine.
Molecular consequence: missense variant.
Genome position (GRCh38, 1-based): chr10:86,923,691, T>C. VCF-style: chr10-86923691-T-C. GRCh37 (hg19) VCF-style: chr10-88683448-T-C.
Other names: short protein forms M524T.
Identifiers: ClinVar variation 854154 (VCV000854154.18), dbSNP rs1843703476, ClinGen allele CA377464002.